The following is an entry in ClinVar:

ClinVar aggregate classification (germline): Uncertain significance (1 of 4 stars; one submission).

Conditions:
Chédiak-Higashi syndrome (CHS). Also called: Chediak-Higashi Syndrome. Identifiers: Orphanet 167, MedGen C0007965, MONDO:0008963, OMIM 214500.

gnomAD v4.1: 36 of 1,614,024 alleles (0.0022%); highest among the groups gnomAD compares: Non-Finnish European, 0.003%; no homozygotes.

Submission:

Labcorp Genetics (formerly Invitae), Labcorp
Classification: Uncertain significance for Chédiak-Higashi syndrome. Last evaluated: 2022-06-08. Review status: criteria provided, single submitter. Criteria: Invitae Variant Classification Sherloc (09022015). Collection method: clinical testing. Allele origin: germline.
Comment: This sequence change replaces threonine, which is neutral and polar, with isoleucine, which is neutral and non-polar, at codon 856 of the LYST protein (p.Thr856Ile). This variant is present in population databases (no rsID available, gnomAD 0.0009%). This variant has not been reported in the literature in individuals affected with LYST-related conditions. Algorithms developed to predict the effect of missense changes on protein structure and function (SIFT, PolyPhen-2, Align-GVGD) all suggest that this variant is likely to be tolerated. In summary, the available evidence is currently insufficient to determine the role of this variant in disease. Therefore, it has been classified as a Variant of Uncertain Significance.

NM_000081.4(LYST):c.2567C>T (p.Thr856Ile)

Gene: LYST (lysosomal trafficking regulator; minus strand). Cytogenetic location: 1q42.3.
Variant type: single nucleotide variant.
Coding change: c.2567C>T on transcript NM_000081.4 (MANE Select); coding-DNA position 2567, C replaced by T.
Protein change: p.Thr856Ile; replaces threonine 856 with isoleucine.
Molecular consequence: missense variant.
Genome position (GRCh38, 1-based): chr1:235,806,569, G>A on the plus strand (C>T on the coding strand, the complement: LYST is on the minus strand). VCF-style: chr1-235806569-G-A. GRCh37 (hg19) VCF-style: chr1-235969869-G-A.
Other names: c.2567C>T, p.Thr856Ile (NM_001301365.1); short protein forms T856I.
Identifiers: ClinVar variation 2164098 (VCV002164098.1), dbSNP rs1190153122, ClinGen allele CA344956633.